The following is an entry in ClinVar:

NM_000217.3(KCNA1):c.487T>C (p.Ser163Pro)

Gene: KCNA1 (potassium voltage-gated channel subfamily A member 1; plus strand). Cytogenetic location: 12p13.32.
Variant type: single nucleotide variant.
Coding change: c.487T>C on transcript NM_000217.3 (MANE Select); coding-DNA position 487, T replaced by C.
Protein change: p.Ser163Pro; replaces serine 163 with proline.
Molecular consequence: missense variant.
Genome position (GRCh38, 1-based): chr12:4,911,865, T>C. VCF-style: chr12-4911865-T-C. GRCh37 (hg19) VCF-style: chr12-5021031-T-C.
Other names: short protein forms S163P.
Identifiers: ClinVar variation 2642593 (VCV002642593.24), dbSNP rs2497352437, ClinGen allele CA383454677.

ClinVar aggregate classification (germline): Uncertain significance (1 of 4 stars; one submission).

Submission:

CeGaT Center for Human Genetics Tuebingen
Classification: Uncertain significance. Last evaluated: 2023-10-01. Review status: criteria provided, single submitter. Criteria: CeGaT Center For Human Genetics Tuebingen Variant Classification Criteria Version 2. Collection method: clinical testing. Allele origin: germline. Affected: yes. Observed: 1 variant allele.
Comment: KCNA1: PM2, PP2